The following is an entry in ClinVar:

NM_000038.6(APC):c.6736G>T (p.Val2246Phe)

Gene: APC (APC regulator of Wnt signaling pathway; plus strand). Cytogenetic location: 5q22.2.
Variant type: single nucleotide variant.
Coding change: c.6736G>T on transcript NM_000038.6 (MANE Select); coding-DNA position 6736, G replaced by T.
Protein change: p.Val2246Phe; replaces valine 2246 with phenylalanine.
Molecular consequence: missense variant.
Genome position (GRCh38, 1-based): chr5:112,842,330, G>T. VCF-style: chr5-112842330-G-T. GRCh37 (hg19) VCF-style: chr5-112178027-G-T.
Other names: c.6736G>T, p.Val2246Phe (NM_001127510.3, NM_001354895.2); c.6682G>T, p.Val2228Phe (NM_001127511.3); c.6790G>T, p.Val2264Phe (NM_001354896.2); c.6766G>T, p.Val2256Phe (NM_001354897.2); c.6661G>T, p.Val2221Phe (NM_001354898.2); c.6652G>T, p.Val2218Phe (NM_001354899.2); c.6613G>T, p.Val2205Phe (NM_001354900.2); c.6559G>T, p.Val2187Phe (NM_001354901.2); and 5 more; short protein forms V2145F, V2205F, V2218F, V2246F, V2256F, V2264F, V2155F, V2120F.
Identifiers: ClinVar variation 645819 (VCV000645819.17), dbSNP rs1055180096, ClinGen allele CA16036053.

ClinVar aggregate classification (germline): Uncertain significance. Review status: criteria provided, multiple submitters, no conflicts (2 of 4 stars). 3 submissions from 3 submitters: Uncertain significance (3). Last evaluated 2025-09-21.

Conditions:
Classic or attenuated familial adenomatous polyposis. Identifiers: MedGen CN372698, MONDO:0021057.
Hereditary cancer-predisposing syndrome. Also called: Hereditary Cancer Syndrome; Tumor predisposition; Hereditary neoplastic syndrome; Neoplastic Syndromes, Hereditary. Identifiers: Orphanet 140162, MedGen C0027672, MeSH D009386, MONDO:0015356.
Familial adenomatous polyposis 1 (FAP1). Also called: FAMILIAL ADENOMATOUS POLYPOSIS 1, ATTENUATED; POLYPOSIS, ADENOMATOUS INTESTINAL. Identifiers: MedGen C2713442, MONDO:0021056, OMIM 175100. Disease mechanism: loss of function.

gnomAD v4.1: 3 of 1,613,836 alleles (0.00019%); highest among the groups gnomAD compares: Admixed American, 0.005%; no homozygotes.

Submissions (3):

Labcorp Genetics (formerly Invitae), Labcorp
Classification: Uncertain significance for Familial adenomatous polyposis 1. Last evaluated: 2025-09-21. Review status: criteria provided, single submitter. Criteria: Invitae Variant Classification Sherloc (09022015). Collection method: clinical testing. Allele origin: germline.
Comment: This sequence change replaces valine, which is neutral and non-polar, with phenylalanine, which is neutral and non-polar, at codon 2246 of the APC protein (p.Val2246Phe). This variant is present in population databases (no rsID available, gnomAD 0.006%). This variant has not been reported in the literature in individuals affected with APC-related conditions. ClinVar contains an entry for this variant (Variation ID: 645819). Invitae Evidence Modeling of protein sequence and biophysical properties (such as structural, functional, and spatial information, amino acid conservation, physicochemical variation, residue mobility, and thermodynamic stability) indicates that this missense variant is not expected to disrupt APC protein function with a negative predictive value of 95%. In summary, the available evidence is currently insufficient to determine the role of this variant in disease. Therefore, it has been classified as a Variant of Uncertain Significance.

All of Us Research Program, National Institutes of Health
Classification: Uncertain significance for Classic or attenuated familial adenomatous polyposis. Last evaluated: 2024-04-25. Review status: criteria provided, single submitter. Criteria: ACMG Guidelines, 2015. Collection method: clinical testing. Allele origin: germline. Inheritance: Autosomal dominant inheritance. Observed: 1 variant allele, 1 heterozygote.
Comment: This missense variant replaces valine with phenylalanine at codon 2246 of the APC protein. Computational prediction is inconclusive regarding the impact of this variant on protein structure and function (internally defined REVEL score threshold 0.5 < inconclusive < 0.7, PMID: 27666373). To our knowledge, functional studies have not been reported for this variant. This variant has not been reported in individuals affected with APC-related disorders in the literature. This variant has been identified in 2/250862 chromosomes in the general population by the Genome Aggregation Database (gnomAD). The available evidence is insufficient to determine the role of this variant in disease conclusively. Therefore, this variant is classified as a Variant of Uncertain Significance.

This study involves interpretation of variants in research participants for the purpose of population health screening. Participant phenotype was not available at the time of variant classification. Additional details can be found in publication PMID: 35346344, PMCID: PMC8962531

Ambry Genetics
Classification: Uncertain significance for Hereditary cancer-predisposing syndrome. Last evaluated: 2021-10-05. Review status: criteria provided, single submitter. Criteria: Ambry Variant Classification Scheme 2023. Collection method: clinical testing. Allele origin: germline.
Comment: The p.V2246F variant (also known as c.6736G>T), located in coding exon 15 of the APC gene, results from a G to T substitution at nucleotide position 6736. The valine at codon 2246 is replaced by phenylalanine, an amino acid with highly similar properties. This amino acid position is well conserved in available vertebrate species. In addition, in silico predictors for this gene do not accurately predict pathogenicity. Since supporting evidence is limited at this time, the clinical significance of this alteration remains unclear.